The following is an entry in ClinVar:

NM_016216.4(DBR1):c.1623_1625del (p.Asp542del)

Gene: DBR1 (debranching RNA lariats 1; minus strand). Cytogenetic location: 3q22.3.
Variant type: Deletion.
Coding change: c.1623_1625del on transcript NM_016216.4 (MANE Select); coding-DNA positions 1623 to 1625, 3 bases deleted (CGA; older notation c.1623_1625delCGA).
Protein change: p.Asp542del; deletes aspartic acid 542.
Molecular consequence: inframe deletion.
Genome position (GRCh38, 1-based): chr3:138,161,899-138,161,901, TCG deleted on the plus strand (CGA on the coding strand, the reverse complement: DBR1 is on the minus strand); deleting any 3 consecutive bases within chr3:138,161,899-138,161,903 gives the same sequence; the c. name uses the placement nearest the transcript's 3' end. VCF-style (leftmost placement, unchanged base first): chr3-138161898-ATCG-A. GRCh37 (hg19) VCF-style: chr3-137880740-ATCG-A.
Other names: short protein forms D542del.
Identifiers: ClinVar variation 2051313 (VCV002051313.2), dbSNP rs376362448, ClinGen allele CA2635637.

ClinVar aggregate classification (germline): Uncertain significance (1 of 4 stars; one submission).

Submission:

Labcorp Genetics (formerly Invitae), Labcorp
Classification: Uncertain significance. Last evaluated: 2026-01-19. Review status: criteria provided, single submitter. Criteria: Invitae Variant Classification Sherloc (09022015). Collection method: clinical testing. Allele origin: germline.
Comment: This variant, c.1623_1625del, results in the deletion of 1 amino acid(s) of the DBR1 protein (p.Asp542del), but otherwise preserves the integrity of the reading frame. The frequency data for this variant in the population databases is considered unreliable, as metrics indicate poor data quality at this position in the gnomAD database. This variant has not been reported in the literature in individuals affected with DBR1-related conditions. ClinVar contains an entry for this variant (Variation ID: 2051313). Experimental studies and prediction algorithms are not available or were not evaluated, and the functional significance of this variant is currently unknown. In summary, the available evidence is currently insufficient to determine the role of this variant in disease. Therefore, it has been classified as a Variant of Uncertain Significance.